The following is an entry in ClinVar:

ClinVar aggregate classification (germline): Uncertain significance. Review status: criteria provided, multiple submitters, no conflicts (2 of 4 stars). 4 submissions from 4 submitters: Uncertain significance (4). Last evaluated 2025-06-11.

Conditions:
Marfan syndrome (MFS). Also called: MARFAN SYNDROME, TYPE I; Marfan syndrome type 1; Marfan's syndrome; Marfan syndrome, classic; FBN1-Related Marfan Syndrome. Identifiers: Orphanet 284963, Orphanet 558, MedGen C0024796, MONDO:0007947, OMIM 154700.
Familial thoracic aortic aneurysm and aortic dissection (TAAD). Also called: Thoracic aortic aneurysms and dissections. Identifiers: Orphanet 91387, MedGen C4707243, MONDO:0019625.

Allele frequency attached by ClinVar (database versions not stated): gnomAD 0.00001; gnomAD exomes 0.00002; ExAC 0.00001.
gnomAD v4.1: 10 of 1,613,966 alleles (0.00062%); highest among the groups gnomAD compares: Non-Finnish European, 0.00034%; no homozygotes.

Submissions (4):

Color Diagnostics, LLC DBA Color Health
Classification: Uncertain significance for Familial thoracic aortic aneurysm and aortic dissection. Last evaluated: 2025-06-11. Review status: criteria provided, single submitter. Criteria: ACMG Guidelines, 2015. Collection method: clinical testing. Allele origin: germline.
Comment: This missense variant replaces proline with leucine at codon 970 of the FBN1 protein. Computational prediction tool is inconclusive regarding the impact of this variant on protein structure and function. To our knowledge, functional studies have not been reported for this variant. This variant has not been reported in individuals affected with FBN1-related disorders in the literature. This variant has been identified in 4/251460 chromosomes in the general population by the Genome Aggregation Database (gnomAD). The available evidence is insufficient to determine the role of this variant in disease conclusively. Therefore, this variant is classified as a Variant of Uncertain Significance.

Labcorp Genetics (formerly Invitae), Labcorp
Classification: Uncertain significance for Marfan syndrome; Familial thoracic aortic aneurysm and aortic dissection. Last evaluated: 2022-07-12. Review status: criteria provided, single submitter. Criteria: Invitae Variant Classification Sherloc (09022015). Collection method: clinical testing. Allele origin: germline.
Comment: In summary, the available evidence is currently insufficient to determine the role of this variant in disease. Therefore, it has been classified as a Variant of Uncertain Significance. Algorithms developed to predict the effect of missense changes on protein structure and function are either unavailable or do not agree on the potential impact of this missense change (SIFT: "Deleterious"; PolyPhen-2: "Possibly Damaging"; Align-GVGD: "Class C0"). ClinVar contains an entry for this variant (Variation ID: 1515556). This variant has not been reported in the literature in individuals affected with FBN1-related conditions. This variant is present in population databases (rs751985082, gnomAD 0.01%). This sequence change replaces proline, which is neutral and non-polar, with leucine, which is neutral and non-polar, at codon 970 of the FBN1 protein (p.Pro970Leu).

Mayo Clinic Laboratories, Mayo Clinic
Classification: Uncertain significance. Last evaluated: 2021-11-11. Review status: criteria provided, single submitter. Criteria: ACMG Guidelines, 2015. Collection method: clinical testing. Allele origin: germline.

Ambry Genetics
Classification: Uncertain significance for Familial thoracic aortic aneurysm and aortic dissection. Last evaluated: 2020-11-02. Review status: criteria provided, single submitter. Criteria: Ambry Variant Classification Scheme 2023. Collection method: clinical testing. Allele origin: germline.
Comment: The p.P970L variant (also known as c.2909C>T), located in coding exon 24 of the FBN1 gene, results from a C to T substitution at nucleotide position 2909. The proline at codon 970 is replaced by leucine, an amino acid with similar properties. This amino acid position is well conserved in available vertebrate species. In addition, the in silico prediction for this alteration is inconclusive. Since supporting evidence is limited at this time, the clinical significance of this alteration remains unclear.

NM_000138.5(FBN1):c.2909C>T (p.Pro970Leu)

Gene: FBN1 (fibrillin 1; minus strand). Cytogenetic location: 15q21.1.
Variant type: single nucleotide variant.
Coding change: c.2909C>T on transcript NM_000138.5 (MANE Select); coding-DNA position 2909, C replaced by T.
Protein change: p.Pro970Leu; replaces proline 970 with leucine.
Molecular consequence: missense variant.
Genome position (GRCh38, 1-based): chr15:48,490,024, G>A on the plus strand (C>T on the coding strand, the complement: FBN1 is on the minus strand). VCF-style: chr15-48490024-G-A. GRCh37 (hg19) VCF-style: chr15-48782221-G-A.
Other names: p.Pro970Leu; short protein forms P970L.
Identifiers: ClinVar variation 1515556 (VCV001515556.12), dbSNP rs751985082, ClinGen allele CA049335.